The following is an entry in ClinVar:

GRCh38/hg38 16p13.3(chr16:492760-565476)x3

Genes: CAPN15 (calpain 15; plus strand), LINC00235 (long intergenic non-protein coding RNA 235; minus strand), MIR3176 (microRNA 3176; plus strand), MIR5587 (microRNA 5587; plus strand), PRR35 (proline rich 35; plus strand) and 1 more. Cytogenetic location: 16p13.3.
Variant type: copy number gain.
Change: copy number 3 (three copies instead of two) of chr16:492,760-565,476 (72.7 kb, GRCh38 coordinates, 1-based), cytogenetic band 16p13.3.
Identifiers: ClinVar variation 152602 (VCV000152602.1).

ClinVar aggregate classification (germline): Benign/Likely benign (0 of 4 stars; one submission).

Submission:

GeneDx
Classification: Benign/Likely benign. Last evaluated: 2011-04-30. Review status: no assertion criteria provided. Collection method: clinical testing. Allele origin: not provided. Affected: yes. Observed: 2 variant alleles.
Comment: Likely benign (1), Benign (1)